The following is an entry in ClinVar:

NM_005121.3(MED13):c.5749A>T (p.Met1917Leu)

Gene: MED13 (mediator complex subunit 13; minus strand). Cytogenetic location: 17q23.2.
Variant type: single nucleotide variant.
Coding change: c.5749A>T on transcript NM_005121.3 (MANE Select); coding-DNA position 5749, A replaced by T.
Protein change: p.Met1917Leu; replaces methionine 1917 with leucine.
Molecular consequence: missense variant.
Genome position (GRCh38, 1-based): chr17:61,955,713, T>A on the plus strand (A>T on the coding strand, the complement: MED13 is on the minus strand). VCF-style: chr17-61955713-T-A. GRCh37 (hg19) VCF-style: chr17-60033074-T-A.
Other names: short protein forms M1917L.
Identifiers: ClinVar variation 4885969 (VCV004885969.2).

ClinVar aggregate classification (germline): Uncertain significance (1 of 4 stars; one submission).

Submission:

Dasa
Classification: Uncertain significance. Last evaluated: 2025-08-21. Review status: criteria provided, single submitter. Criteria: DASA Assertion Criteria. Collection method: clinical testing. Allele origin: germline.
Comment: NM_005121.3(MED13):c.5749A>T (p.Met1917Leu) is a missense variant that results in the substitution of methionine with leucine. This variant is absent from population databases. Computational prediction algorithms are consistent with a benign effect. The currently available literature and clinical evidence are not sufficient to establish a definitive association between this variant and the reported condition. Therefore, this variant is classified as a variant of uncertain significance.